The following is an entry in ClinVar:

NM_002470.4(MYH3):c.2719G>A (p.Asp907Asn)

Gene: MYH3 (myosin heavy chain 3; minus strand). Cytogenetic location: 17p13.1.
Variant type: single nucleotide variant.
Coding change: c.2719G>A on transcript NM_002470.4 (MANE Select); coding-DNA position 2719, G replaced by A.
Protein change: p.Asp907Asn; replaces aspartic acid 907 with asparagine.
Molecular consequence: missense variant.
Genome position (GRCh38, 1-based): chr17:10,639,766, C>T on the plus strand (G>A on the coding strand, the complement: MYH3 is on the minus strand). VCF-style: chr17-10639766-C-T. GRCh37 (hg19) VCF-style: chr17-10543083-C-T.
Other names: short protein forms D907N.
Identifiers: ClinVar variation 3012403 (VCV003012403.3), dbSNP rs1318197712, ClinGen allele CA398160442.

ClinVar aggregate classification (germline): Uncertain significance (1 of 4 stars; one submission).

Allele frequency attached by ClinVar (database versions not stated): gnomAD 0.00001.
gnomAD v4.1: 8 of 1,613,408 alleles (0.0005%); highest among the groups gnomAD compares: South Asian, 0.0066%; no homozygotes.

Submission:

Labcorp Genetics (formerly Invitae), Labcorp
Classification: Uncertain significance. Last evaluated: 2023-06-06. Review status: criteria provided, single submitter. Criteria: Invitae Variant Classification Sherloc (09022015). Collection method: clinical testing. Allele origin: germline.
Comment: In summary, the available evidence is currently insufficient to determine the role of this variant in disease. Therefore, it has been classified as a Variant of Uncertain Significance. Advanced modeling of protein sequence and biophysical properties (such as structural, functional, and spatial information, amino acid conservation, physicochemical variation, residue mobility, and thermodynamic stability) performed at Invitae indicates that this missense variant is not expected to disrupt MYH3 protein function. This variant has not been reported in the literature in individuals affected with MYH3-related conditions. This variant is present in population databases (no rsID available, gnomAD 0.006%). This sequence change replaces aspartic acid, which is acidic and polar, with asparagine, which is neutral and polar, at codon 907 of the MYH3 protein (p.Asp907Asn).